The following is an entry in ClinVar:

ClinVar aggregate classification (germline): Uncertain significance (1 of 4 stars; one submission).

Submission:

Labcorp Genetics (formerly Invitae), Labcorp
Classification: Uncertain significance. Last evaluated: 2021-09-25. Review status: criteria provided, single submitter. Criteria: Invitae Variant Classification Sherloc (09022015). Collection method: clinical testing. Allele origin: germline.
Comment: In summary, the available evidence is currently insufficient to determine the role of this variant in disease. Therefore, it has been classified as a Variant of Uncertain Significance. Algorithms developed to predict the effect of missense changes on protein structure and function are either unavailable or do not agree on the potential impact of this missense change (SIFT: "Not Available"; PolyPhen-2: "Benign"; Align-GVGD: "Not Available"). This variant has not been reported in the literature in individuals affected with LOX-related conditions. This variant is not present in population databases (ExAC no frequency). This sequence change replaces alanine with glycine at codon 147 of the LOX protein (p.Ala147Gly). The alanine residue is weakly conserved and there is a small physicochemical difference between alanine and glycine.

NM_002317.7(LOX):c.440C>G (p.Ala147Gly)

Genes: LOX (lysyl oxidase; minus strand), SRFBP1 (serum response factor binding protein 1; plus strand). Cytogenetic location: 5q23.1.
Variant type: single nucleotide variant.
Coding change: c.440C>G on transcript NM_002317.7 (MANE Select); coding-DNA position 440, C replaced by G.
Protein change: p.Ala147Gly; replaces alanine 147 with glycine.
Molecular consequence: missense variant.
Genome position (GRCh38, 1-based): chr5:122,077,546, G>C on the plus strand (C>G on the coding strand, the complement: LOX is on the minus strand). VCF-style: chr5-122077546-G-C. GRCh37 (hg19) VCF-style: chr5-121413241-G-C.
Other names: short protein forms A147G.
Identifiers: ClinVar variation 1439817 (VCV001439817.6), dbSNP rs754437112, ClinGen allele CA360876208.
Genomic context (GRCh38, chr5:122,077,546, plus strand): 5'-ACCATGCCGTCCACGCGGCTGGGCGGCCGCAGGTTACTGAGCGCAGGAACTTCTCCCGGC[G>C]CTGTCTGGTTCTCCGCGCGCGAGGCGCCAGCTTCGCGGGCTCTAGATGTCGAGTAGCCAG-3'
Protein context (NP_002308.2, residues 137-157): AGASRAENQT[Ala147Gly]PGEVPALSNL